The following is an entry in ClinVar:

ClinVar aggregate classification (germline): Uncertain significance. Review status: criteria provided, multiple submitters, no conflicts (2 of 4 stars). 2 submissions from 2 submitters: Uncertain significance (2). Last evaluated 2020-03-06.

Conditions:
Cardiovascular phenotype. Identifiers: MedGen CN230736.
Alstrom syndrome (ALMS). Identifiers: Orphanet 64, MedGen C0268425, MONDO:0008763, OMIM 203800.

gnomAD v4.1: 1 of 1,614,086 alleles (0.000062%); highest among the groups gnomAD compares: Non-Finnish European, 0.000085%; no homozygotes.

Submissions (2):

Labcorp Genetics (formerly Invitae), Labcorp
Classification: Uncertain significance for Alstrom syndrome. Last evaluated: 2020-03-06. Review status: criteria provided, single submitter. Criteria: Invitae Variant Classification Sherloc (09022015). Collection method: clinical testing. Allele origin: germline.
Comment: This sequence change replaces glycine with glutamic acid at codon 3227 of the ALMS1 protein (p.Gly3227Glu). The glycine residue is moderately conserved and there is a moderate physicochemical difference between glycine and glutamic acid. This variant is not present in population databases (ExAC no frequency). This variant has not been reported in the literature in individuals with ALMS1-related conditions. Experimental studies and prediction algorithms are not available or were not evaluated, and the functional significance of this variant is currently unknown. In summary, the available evidence is currently insufficient to determine the role of this variant in disease. Therefore, it has been classified as a Variant of Uncertain Significance.

Ambry Genetics
Classification: Uncertain significance for Cardiovascular phenotype. Last evaluated: 2020-01-16. Review status: criteria provided, single submitter. Criteria: Ambry Variant Classification Scheme 2023. Collection method: clinical testing. Allele origin: germline.
Comment: The p.G3227E variant (also known as c.9680G>A), located in coding exon 11 of the ALMS1 gene, results from a G to A substitution at nucleotide position 9680. The glycine at codon 3227 is replaced by glutamic acid, an amino acid with similar properties. This amino acid position is not well conserved in available vertebrate species, and glutamic acid is the reference amino acid in other vertebrate species. In addition, this alteration is predicted to be tolerated by in silico analysis. Since supporting evidence is limited at this time, the clinical significance of this alteration remains unclear.

NM_001378454.1(ALMS1):c.9677G>A (p.Gly3226Glu)

Gene: ALMS1 (ALMS1 centrosome and basal body associated protein; plus strand). Cytogenetic location: 2p13.1.
Variant type: single nucleotide variant.
Coding change: c.9677G>A on transcript NM_001378454.1 (MANE Select); coding-DNA position 9677, G replaced by A.
Protein change: p.Gly3226Glu; replaces glycine 3226 with glutamic acid.
Molecular consequence: missense variant.
Genome position (GRCh38, 1-based): chr2:73,519,912, G>A. VCF-style: chr2-73519912-G-A. GRCh37 (hg19) VCF-style: chr2-73747039-G-A.
Other names: c.9680G>A, p.Gly3227Glu (NM_015120.4); short protein forms G3226E, G3227E.
Identifiers: ClinVar variation 1056155 (VCV001056155.9), dbSNP rs1673640308, ClinGen allele CA347281244.